The following is an entry in ClinVar:

NM_003172.4(SURF1):c.903A>T (p.Ter301Cys)

Gene: SURF1 (SURF1 cytochrome c oxidase assembly factor; minus strand). Cytogenetic location: 9q34.2.
Variant type: single nucleotide variant.
Coding change: c.903A>T on transcript NM_003172.4 (MANE Select); coding-DNA position 903, A replaced by T.
Protein change: p.Ter301Cys.
Molecular consequence: stop lost.
Genome position (GRCh38, 1-based): chr9:133,351,913, T>A on the plus strand (A>T on the coding strand, the complement: SURF1 is on the minus strand). VCF-style: chr9-133351913-T-A. GRCh37 (hg19) VCF-style: chr9-136218768-T-A.
Other names: c.576A>T, p.Ter192Cys (NM_001280787.1).
Identifiers: ClinVar variation 2101311 (VCV002101311.4), dbSNP rs2490612353, ClinGen allele CA375693283.

ClinVar aggregate classification (germline): Uncertain significance (1 of 4 stars; one submission).

Conditions:
Leigh syndrome (NULS). Also called: Leigh's syndrome; LEIGH SYNDROME, NUCLEAR; Leigh Disease; Subacute necrotizing encephalopathy; Necrotizing encephalopathy infantile subacute of Leigh; Leigh Syndrome (mtDNA deletion). Identifiers: Orphanet 506, MedGen C2931891, MONDO:0009723, OMIM 256000.

Submission:

Labcorp Genetics (formerly Invitae), Labcorp
Classification: Uncertain significance for Leigh syndrome. Last evaluated: 2022-02-28. Review status: criteria provided, single submitter. Criteria: Invitae Variant Classification Sherloc (09022015). Collection method: clinical testing. Allele origin: germline.
Comment: In summary, the available evidence is currently insufficient to determine the role of this variant in disease. Therefore, it has been classified as a Variant of Uncertain Significance. This variant has not been reported in the literature in individuals affected with SURF1-related conditions. This variant is not present in population databases (gnomAD no frequency). This sequence change disrupts the translational stop signal of the SURF1 mRNA. It is expected to extend the length of the SURF1 protein by 5 additional amino acid residues.